The following is an entry in ClinVar:

NM_001267550.2(TTN):c.51925C>T (p.Gln17309Ter)

Genes: TTN (titin; minus strand), TTN-AS1 (TTN antisense RNA 1; plus strand). Cytogenetic location: 2q31.2.
Variant type: single nucleotide variant.
Coding change: c.51925C>T on transcript NM_001267550.2 (MANE Select); coding-DNA position 51925, C replaced by T.
Protein change: p.Gln17309Ter; replaces glutamine 17309 with a stop codon.
Molecular consequence: nonsense.
Genome position (GRCh38, 1-based): chr2:178,609,385, G>A on the plus strand (C>T on the coding strand, the complement: TTN is on the minus strand). VCF-style: chr2-178609385-G-A. GRCh37 (hg19) VCF-style: chr2-179474112-G-A.
Other names: c.47002C>T, p.Gln15668Ter (NM_001256850.1); c.24730C>T, p.Gln8244Ter (NM_003319.4); c.44221C>T, p.Gln14741Ter (NM_133378.4); c.25105C>T, p.Gln8369Ter (NM_133432.3); c.25306C>T, p.Gln8436Ter (NM_133437.4); short protein forms Q17309*, Q8369*, Q15668*, Q8436*, Q14741*, Q8244*.
Identifiers: ClinVar variation 2126182 (VCV002126182.20), dbSNP rs2470386291, ClinGen allele CA349579182.

ClinVar aggregate classification (germline): Likely pathogenic. Review status: criteria provided, single submitter (1 of 4 stars). 2 submissions from 2 submitters: Likely pathogenic (1). 1 of the submissions does not count toward it. Last evaluated 2022-04-15.

Conditions:
Dilated cardiomyopathy 1G (CMD1G). Identifiers: Orphanet 154, MedGen C1858763, MONDO:0011400, OMIM 604145.
Autosomal recessive limb-girdle muscular dystrophy type 2J (LGMDR10). Also called: Limb-girdle muscular dystrophy, type 2J; MUSCULAR DYSTROPHY, LIMB-GIRDLE, AUTOSOMAL RECESSIVE 10. Identifiers: Orphanet 140922, MedGen C1837342, MONDO:0012127, OMIM 608807.

Allele frequency attached by ClinVar (database versions not stated): gnomAD exomes below 0.00001.
gnomAD v4.1: 1 of 1,612,238 alleles (0.000062%); highest among the groups gnomAD compares: Non-Finnish European, 0.000085%; no homozygotes.

Submissions (2):

Labcorp Genetics (formerly Invitae), Labcorp
Classification: Likely pathogenic for Dilated cardiomyopathy 1G; Autosomal recessive limb-girdle muscular dystrophy type 2J. Last evaluated: 2022-04-15. Review status: criteria provided, single submitter. Criteria: Invitae Variant Classification Sherloc (09022015). Collection method: clinical testing. Allele origin: germline.
Comment: In summary, the currently available evidence indicates that the variant is pathogenic, but additional data are needed to prove that conclusively. Therefore, this variant has been classified as Likely Pathogenic. This variant is located in the A band of TTN (PMID: 25589632). Truncating variants in this region are significantly overrepresented in patients affected with dilated cardiomyopathy (PMID: 25589632). Truncating variants in this region have also been reported in individuals affected with autosomal recessive centronuclear myopathy (PMID: 23975875). This variant has not been reported in the literature in individuals affected with TTN-related conditions. This variant is not present in population databases (gnomAD no frequency). This sequence change creates a premature translational stop signal (p.Gln17309*) in the TTN gene. While this is not anticipated to result in nonsense mediated decay, it is expected to create a truncated TTN protein.

deCODE genetics, Amgen
Classification: Likely pathogenic for Dilated cardiomyopathy 1G. Last evaluated: 2023-07-21. Review status: no assertion criteria provided. Collection method: research. Allele origin: germline. Affected: yes. Observed: 1 variant allele. Not counted in ClinVar's aggregate classification.
Comment: The variant NM_001267550.2:c.51925C>T (chr2:178609385) in TTN was detected in 1 heterozygote out of 58K WGS Icelanders (MAF= 0,001%). This variant has not been reported in ClinVar previously. Based on ACMG criteria (PVS1, PM2) this variant classifies as likely pathogenic.

Literature cited by the submitters: PubMed 25589632 (cited by Labcorp Genetics (formerly Invitae), Labcorp); PubMed 23975875 (cited by Labcorp Genetics (formerly Invitae), Labcorp).